The following is an entry in ClinVar:

NM_006586.5(CNPY3):c.50TGC[10] (p.Leu25_Pro26insLeu)

Genes: CNPY3 (canopy FGF signaling regulator 3; plus strand), CNPY3-GNMT (CNPY3-GNMT readthrough; plus strand). Cytogenetic location: 6p21.1.
Variant type: Microsatellite.
Coding change: c.50TGC[10] on transcript NM_006586.5 (MANE Select); ten copies in a row of the 3-base unit TGC starting at c.50; the reference has nine copies in a row; one copy, 3 bases duplicated.
Protein change: p.Leu25_Pro26insLeu.
Molecular consequence: inframe insertion. On other transcripts: 5 prime UTR variant (2), non-coding transcript variant (9).
Genome position (GRCh38, 1-based): chr6:42,929,644-42,929,646, TGC duplicated; duplicating any 3 consecutive bases within chr6:42,929,620-42,929,646 gives the same sequence; the position shown is the placement nearest the transcript's 3' end. VCF-style (leftmost placement, unchanged base first): chr6-42929619-T-TTGC. GRCh37 (hg19) VCF-style: chr6-42897357-T-TTGC.
Other names: c.50TGC[10], p.Leu25_Pro26insLeu (NM_001318842.1, NM_001318847.2, NM_001318848.2 and 2 more transcripts); c.-94TGC[10] (NM_001318845.1, NM_001318856.2).
Identifiers: ClinVar variation 3047364 (VCV003047364.2), dbSNP rs570105218, ClinGen allele CA3810353.

ClinVar aggregate classification (germline): Likely benign (0 of 4 stars; one submission).

Conditions:
CNPY3-related disorder. Also called: CNPY3-related condition.

Submission:

PreventionGenetics, part of Exact Sciences
Classification: Likely benign for CNPY3-related condition. Last evaluated: 2022-12-13. Review status: no assertion criteria provided. Collection method: clinical testing. Allele origin: germline.
Comment: This variant is classified as likely benign based on ACMG/AMP sequence variant interpretation guidelines (Richards et al. 2015 PMID: 25741868, with internal and published modifications).